The following is an entry in ClinVar:

ClinVar aggregate classification (germline): Benign/Likely benign. Review status: criteria provided, multiple submitters, no conflicts (2 of 4 stars). 9 submissions from 9 submitters: Benign (1); Likely benign (6). 2 of the submissions do not count toward it. Last evaluated 2025-12-21.

Conditions:
BARD1-related disorder. Also called: BARD1-related condition.
Hereditary cancer-predisposing syndrome. Also called: Neoplastic Syndromes, Hereditary; Tumor predisposition; Hereditary Cancer Syndrome; Hereditary neoplastic syndrome. Identifiers: Orphanet 140162, MedGen C0027672, MeSH D009386, MONDO:0015356.
Familial cancer of breast. Also called: BREAST CANCER, FAMILIAL; Hereditary breast cancer; hereditary breast carcinoma. Identifiers: Orphanet 227535, MedGen C0346153, MONDO:0016419, OMIM 114480. Disease mechanism: loss of function.

Allele frequency attached by ClinVar (database versions not stated): gnomAD 0.00001; ExAC 0.00002; gnomAD exomes 0.00002 and 0.00003; TOPMed 0.00002.
gnomAD v4.1: 27 of 1,594,408 alleles (0.0017%); highest among the groups gnomAD compares: Middle Eastern, 0.017%; 1 homozygote.

Submissions (9):

Labcorp Genetics (formerly Invitae), Labcorp
Classification: Likely benign for Familial cancer of breast. Last evaluated: 2025-12-21. Review status: criteria provided, single submitter. Criteria: Invitae Variant Classification Sherloc (09022015). Collection method: clinical testing. Allele origin: germline.

Quest Diagnostics Nichols Institute San Juan Capistrano
Classification: Likely benign. Last evaluated: 2025-05-31. Review status: criteria provided, single submitter. Criteria: Quest Diagnostics criteria. Collection method: clinical testing. Allele origin: unknown.

Myriad Genetics, Inc.
Classification: Benign for Familial cancer of breast. Last evaluated: 2024-07-22. Review status: criteria provided, single submitter. Criteria: Myriad Autosomal Dominant, Autosomal Recessive and X-Linked Classification Criteria (2023). Collection method: clinical testing. Allele origin: unknown.
Comment: This variant is considered benign. This variant is a silent/synonymous amino acid change and it is not expected to impact splicing.

Sema4
Classification: Likely benign for Hereditary cancer-predisposing syndrome. Last evaluated: 2020-10-09. Review status: criteria provided, single submitter. Criteria: Sema4 Curation Guidelines. Collection method: curation. Allele origin: germline.

GeneDx
Classification: Likely benign. Last evaluated: 2019-04-10. Review status: criteria provided, single submitter. Criteria: GeneDx Variant Classification Process June 2021. Collection method: clinical testing. Allele origin: germline. Affected: yes.

Color Diagnostics, LLC DBA Color Health
Classification: Likely benign for Hereditary cancer-predisposing syndrome. Last evaluated: 2016-11-07. Review status: criteria provided, single submitter. Criteria: ACMG Guidelines, 2015. Collection method: clinical testing. Allele origin: germline.

Ambry Genetics
Classification: Likely benign for Hereditary cancer-predisposing syndrome. Last evaluated: 2014-10-27. Review status: criteria provided, single submitter. Criteria: Ambry Variant Classification Scheme 2023. Collection method: clinical testing. Allele origin: germline.

PreventionGenetics, part of Exact Sciences
Classification: Likely benign for BARD1-related condition. Last evaluated: 2024-01-18. Review status: no assertion criteria provided. Collection method: clinical testing. Allele origin: germline. Not counted in ClinVar's aggregate classification.
Comment: This variant is classified as likely benign based on ACMG/AMP sequence variant interpretation guidelines (Richards et al. 2015 PMID: 25741868, with internal and published modifications).

Department of Pathology and Laboratory Medicine, Sinai Health System
Classification: Likely benign. Review status: no assertion criteria provided. Collection method: clinical testing. Allele origin: unknown. Affected: yes. Study: The Canadian Open Genetics Repository (COGR). Not counted in ClinVar's aggregate classification.
Comment: The BARD1 p.Lys217= variant was not identified in the literature nor was it identified in the Cosmic or MutDB databases. The variant was identified in dbSNP (ID: rs768866006) as â€šÃ„ÃºWith Likely benign alleleâ€šÃ„Ã¹, and ClinVar (4x as likely benign by Ambry Genetics, GeneDx, Invitae, Color). The variant was identified in control databases in 6 of 258076 chromosomes (1 homozygous) at a frequency of 0.00002 (Genome Aggregation Database Feb 27, 2017). The variant was observed in the following populations: Latino in 1 of 29740 chromosomes (freq: 0.00003), European Non-Finnish in 1 of 120988 chromosomes (freq: 0.000008), East Asian in 2 of 17562 chromosomes (freq: 0.0001), and South Asian in 2 of 26010 chromosomes (freq: 0.00008). While the variant was not observed in the African, Other, Ashkenazi Jewish or Finnish populations. The p.Lys217= variant is not expected to have clinical significance because it does not result in a change of amino acid and is not located in a known consensus splice site. In addition, in silico or computational prediction software programs (SpliceSiteFinder, MaxEntScan, NNSPLICE, GeneSplicer, HumanSpliceFinder) do not predict a difference in splicing. In summary, based on the above information the clinical significance of this variant cannot be determined with certainty at this time although we would lean towards a more benign role for this variant. This variant is classified as likely benign.

NM_000465.4(BARD1):c.651A>G (p.Lys217=)

Gene: BARD1 (BRCA1 associated RING domain 1; minus strand). Cytogenetic location: 2q35.
Variant type: single nucleotide variant.
Coding change: c.651A>G on transcript NM_000465.4 (MANE Select); coding-DNA position 651, A replaced by G.
Protein change: p.Lys217=; no amino-acid change (lysine 217 retained).
Molecular consequence: synonymous variant. On other transcripts: non-coding transcript variant (2), intron variant (3).
Genome position (GRCh38, 1-based): chr2:214,781,223, T>C on the plus strand (A>G on the coding strand, the complement: BARD1 is on the minus strand). VCF-style: chr2-214781223-T-C. GRCh37 (hg19) VCF-style: chr2-215645947-T-C.
Other names: c.594A>G, p.Lys198= (NM_001282543.2); c.158+28189A>G (NM_001282548.2); c.215+15838A>G (NM_001282545.2); c.364+11074A>G (NM_001282549.2).
Identifiers: ClinVar variation 186869 (VCV000186869.25), dbSNP rs768866006, ClinGen allele CA196092.